The following is an entry in ClinVar:

NM_173601.2(GXYLT1):c.165C>T (p.Gly55=)

Genes: GXYLT1 (glucoside xylosyltransferase 1; minus strand), LOC130007692 (ATAC-STARR-seq lymphoblastoid silent region 4357; plus strand). Cytogenetic location: 12q12.
Variant type: single nucleotide variant.
Coding change: c.165C>T on transcript NM_173601.2 (MANE Select); coding-DNA position 165, C replaced by T.
Protein change: p.Gly55=; no amino-acid change (glycine 55 retained).
Molecular consequence: synonymous variant.
Genome position (GRCh38, 1-based): chr12:42,144,482, G>A on the plus strand (C>T on the coding strand, the complement: GXYLT1 is on the minus strand). VCF-style: chr12-42144482-G-A. GRCh37 (hg19) VCF-style: chr12-42538284-G-A.
Other names: c.165C>T, p.Gly55= (NM_001099650.2).
Identifiers: ClinVar variation 2642892 (VCV002642892.24), dbSNP rs915847272, ClinGen allele CA235464859.

ClinVar aggregate classification (germline): Likely benign (1 of 4 stars; one submission).

Submission:

CeGaT Center for Human Genetics Tuebingen
Classification: Likely benign. Last evaluated: 2023-08-01. Review status: criteria provided, single submitter. Criteria: CeGaT Center For Human Genetics Tuebingen Variant Classification Criteria Version 2. Collection method: clinical testing. Allele origin: germline. Affected: yes. Observed: 1 variant allele.
Comment: GXYLT1: PM2:Supporting, BP4, BP7